The following is an entry in ClinVar:

ClinVar aggregate classification (germline): Uncertain significance (1 of 4 stars; one submission).

gnomAD v4.1: 11 of 1,596,738 alleles (0.00069%); highest among the groups gnomAD compares: South Asian, 0.0033%; no homozygotes.

Submission:

Labcorp Genetics (formerly Invitae), Labcorp
Classification: Uncertain significance. Last evaluated: 2023-10-06. Review status: criteria provided, single submitter. Criteria: Invitae Variant Classification Sherloc (09022015). Collection method: clinical testing. Allele origin: germline.
Comment: This sequence change replaces threonine, which is neutral and polar, with isoleucine, which is neutral and non-polar, at codon 69 of the MYH3 protein (p.Thr69Ile). This variant is present in population databases (no rsID available, gnomAD 0.006%). This variant has not been reported in the literature in individuals affected with MYH3-related conditions. An algorithm developed to predict the effect of missense changes on protein structure and function (PolyPhen-2) suggests that this variant is likely to be tolerated. In summary, the available evidence is currently insufficient to determine the role of this variant in disease. Therefore, it has been classified as a Variant of Uncertain Significance.

NM_002470.4(MYH3):c.206C>T (p.Thr69Ile)

Gene: MYH3 (myosin heavy chain 3; minus strand). Cytogenetic location: 17p13.1.
Variant type: single nucleotide variant.
Coding change: c.206C>T on transcript NM_002470.4 (MANE Select); coding-DNA position 206, C replaced by T.
Protein change: p.Thr69Ile; replaces threonine 69 with isoleucine.
Molecular consequence: missense variant.
Genome position (GRCh38, 1-based): chr17:10,652,562, G>A on the plus strand (C>T on the coding strand, the complement: MYH3 is on the minus strand). VCF-style: chr17-10652562-G-A. GRCh37 (hg19) VCF-style: chr17-10555879-G-A.
Other names: short protein forms T69I.
Identifiers: ClinVar variation 2730555 (VCV002730555.3), dbSNP rs1238136671, ClinGen allele CA398117513.